The following is an entry in ClinVar:

NM_000051.4(ATM):c.6718G>C (p.Asp2240His)

Genes: ATM (ATM serine/threonine kinase; plus strand), C11orf65 (chromosome 11 open reading frame 65; minus strand). Cytogenetic location: 11q22.3.
Variant type: single nucleotide variant.
Coding change: c.6718G>C on transcript NM_000051.4 (MANE Select); coding-DNA position 6718, G replaced by C.
Protein change: p.Asp2240His; replaces aspartic acid 2240 with histidine.
Molecular consequence: missense variant. On other transcripts: intron variant (2).
Genome position (GRCh38, 1-based): chr11:108,325,455, G>C. VCF-style: chr11-108325455-G-C. GRCh37 (hg19) VCF-style: chr11-108196182-G-C.
Other names: c.6718G>C, p.Asp2240His (NM_001351834.2); c.641-16384C>G (NM_001330368.2); c.*38+9765C>G (NM_001351110.2); short protein forms D2240H.
Identifiers: ClinVar variation 142460 (VCV000142460.32), dbSNP rs587782478, ClinGen allele CA168417.

ClinVar aggregate classification (germline): Conflicting classifications of pathogenicity. Review status: criteria provided, conflicting classifications (1 of 4 stars). 7 submissions from 7 submitters: Uncertain significance (5); Likely benign (1). 1 of the submissions does not count toward it. Last evaluated 2025-12-12.

Conditions:
Hereditary cancer-predisposing syndrome. Also called: Neoplastic Syndromes, Hereditary; Hereditary Cancer Syndrome; Tumor predisposition; Hereditary neoplastic syndrome. Identifiers: Orphanet 140162, MedGen C0027672, MeSH D009386, MONDO:0015356.
Ataxia-telangiectasia syndrome (AT). Also called: Ataxia-telangiectasia, complementation group D; AT, COMPLEMENTATION GROUP C; Ataxia-telangiectasia; ATAXIA-TELANGIECTASIA, COMPLEMENTATION GROUP A; ATAXIA-TELANGIECTASIA, FRESNO VARIANT; Ataxia-telangiectasia, complementation group E. Identifiers: Orphanet 100, MedGen C0004135, MONDO:0008840, OMIM 208900.
Familial cancer of breast. Also called: BREAST CANCER, FAMILIAL; hereditary breast carcinoma; Hereditary breast cancer. Identifiers: Orphanet 227535, MedGen C0346153, MONDO:0016419, OMIM 114480. Disease mechanism: loss of function.

Allele frequency attached by ClinVar (database versions not stated): gnomAD exomes below 0.00001; TOPMed 0.00001; ExAC 0.00001.
gnomAD v4.1: 1 of 1,613,688 alleles (0.000062%); highest among the groups gnomAD compares: African/African-American, 0.0013%; no homozygotes.

Submissions (7):

Labcorp Genetics (formerly Invitae), Labcorp
Classification: Uncertain significance for Ataxia-telangiectasia syndrome. Last evaluated: 2025-12-12. Review status: criteria provided, single submitter. Criteria: Invitae Variant Classification Sherloc (09022015). Collection method: clinical testing. Allele origin: germline.
Comment: This sequence change replaces aspartic acid, which is acidic and polar, with histidine, which is basic and polar, at codon 2240 of the ATM protein (p.Asp2240His). This variant is present in population databases (rs587782478, gnomAD 0.007%). This variant has not been reported in the literature in individuals affected with ATM-related conditions. ClinVar contains an entry for this variant (Variation ID: 142460). Invitae Evidence Modeling of protein sequence and biophysical properties (such as structural, functional, and spatial information, amino acid conservation, physicochemical variation, residue mobility, and thermodynamic stability) indicates that this missense variant is not expected to disrupt ATM protein function with a negative predictive value of 95%. In summary, the available evidence is currently insufficient to determine the role of this variant in disease. Therefore, it has been classified as a Variant of Uncertain Significance.

ARUP Laboratories, Molecular Genetics and Genomics, ARUP Laboratories
Classification: Uncertain significance. Last evaluated: 2025-05-01. Review status: criteria provided, single submitter. Criteria: ARUP Molecular Germline Variant Investigation Process 2024. Collection method: clinical testing. Allele origin: germline.
Comment: The ATM c.6718G>C; p.Asp2240His variant (rs587782478, ClinVar Variation ID: 142460), is reported in the literature in one individual affected with breast cancer (Weitzel 2019). It is also reported in an individual from a mixed population of patients affected with prostate cancer and controls, but it cannot be determined if the reported individual is affected (Matejcic 2020). This variant is only observed on one allele in the Genome Aggregation Database (v2.1.1), indicating it is not a common polymorphism. Computational analyses predict that this variant is neutral (REVEL: 0.106). Due to limited information, the clinical significance of this variant is uncertain at this time. References: Matejcic M et al. Pathogenic Variants in Cancer Predisposition Genes and Prostate Cancer Risk in Men of African Ancestry. JCO Precis Oncol. 2020;4:32-43. PMID: 32832836. Weitzel JN et al. Pathogenic and likely pathogenic variants in PALB2, CHEK2, and other known breast cancer susceptibility genes among 1054 BRCA-negative Hispanics with breast cancer. Cancer. 2019 Aug 15;125(16):2829-2836. PMID: 31206626.

Ambry Genetics
Classification: Likely benign for Hereditary cancer-predisposing syndrome. Last evaluated: 2024-03-14. Review status: criteria provided, single submitter. Criteria: Ambry Variant Classification Scheme 2023. Collection method: clinical testing. Allele origin: germline.

Baylor Genetics
Classification: Uncertain significance for Familial cancer of breast. Last evaluated: 2023-11-02. Review status: criteria provided, single submitter. Criteria: ACMG Guidelines, 2015. Collection method: clinical testing. Allele origin: unknown.

Color Diagnostics, LLC DBA Color Health
Classification: Uncertain significance for Hereditary cancer-predisposing syndrome. Last evaluated: 2021-07-28. Review status: criteria provided, single submitter. Criteria: ACMG Guidelines, 2015. Collection method: clinical testing. Allele origin: germline.
Comment: This missense variant replaces aspartic acid with histidine at codon 2240 of the ATM protein. Computational prediction suggests that this variant may not impact protein structure and function (internally defined REVEL score threshold <= 0.5, PMID: 27666373). To our knowledge, functional studies have not been reported for this variant. This variant has not been reported in individuals affected with hereditary cancer in the literature. This variant has been identified in 1/251046 chromosomes in the general population by the Genome Aggregation Database (gnomAD). The available evidence is insufficient to determine the role of this variant in disease conclusively. Therefore, this variant is classified as a Variant of Uncertain Significance.

Women's Health and Genetics/Laboratory Corporation of America, LabCorp
Classification: Uncertain significance. Last evaluated: 2019-03-13. Review status: criteria provided, single submitter. Criteria: LabCorp Variant Classification Summary - May 2015. Collection method: clinical testing. Allele origin: germline.
Comment: Variant summary: ATM c.6718G>C (p.Asp2240His) results in a non-conservative amino acid change located in the PIK-related kinase, FAT domain of the encoded protein sequence. Three of five in-silico tools predict a damaging effect of the variant on protein function. The variant allele was found at a frequency of 4.1e-06 in 245788 control chromosomes (gnomAD). The available data on variant occurrences in the general population are insufficient to allow any conclusion about variant significance. To our knowledge, no occurrence of c.6718G>C in individuals affected with Ataxia-Telangiectasia and no experimental evidence demonstrating its impact on protein function have been reported. Two ClinVar submissions from clinical diagnostic laboratories (evaluation after 2014) cites the variant as uncertain significance. Based on the evidence outlined above, the variant was classified as uncertain significance.

Natera, Inc.
Classification: Uncertain significance for Ataxia-telangiectasia. Last evaluated: 2020-12-10. Review status: no assertion criteria provided. Collection method: clinical testing. Allele origin: germline. Not counted in ClinVar's aggregate classification.

Literature cited by the submitters: PubMed 31206626 (cited by Ambry Genetics); PubMed 32832836 (cited by Ambry Genetics).